The following is an entry in ClinVar:

NM_001127208.3(TET2):c.1775A>G (p.Tyr592Cys)

Genes: TET2 (tet methylcytosine dioxygenase 2; plus strand), TET2-AS1 (TET2 antisense RNA 1; minus strand). Cytogenetic location: 4q24.
Variant type: single nucleotide variant.
Coding change: c.1775A>G on transcript NM_001127208.3 (MANE Select); coding-DNA position 1775, A replaced by G.
Protein change: p.Tyr592Cys; replaces tyrosine 592 with cysteine.
Molecular consequence: missense variant.
Genome position (GRCh38, 1-based): chr4:105,235,717, A>G. VCF-style: chr4-105235717-A-G. GRCh37 (hg19) VCF-style: chr4-106156874-A-G.
Other names: c.1775A>G, p.Tyr592Cys (NM_017628.4); short protein forms Y592C.
Identifiers: ClinVar variation 4865534 (VCV004865534.1).

ClinVar aggregate classification (germline): Uncertain significance (1 of 4 stars; one submission).

Submission:

Ambry Genetics
Classification: Uncertain significance. Last evaluated: 2026-04-12. Review status: criteria provided, single submitter. Criteria: Ambry Variant Classification Scheme 2023. Collection method: clinical testing. Allele origin: germline.
Comment: The p.Y592C variant (also known as c.1775A>G), located in coding exon 1 of the TET2 gene, results from an A to G substitution at nucleotide position 1775. The tyrosine at codon 592 is replaced by cysteine, an amino acid with highly dissimilar properties. This amino acid position is conserved. In addition, this alteration is predicted to be tolerated by in silico analysis. Based on the available evidence, the clinical significance of this variant remains unclear.